The following is an entry in ClinVar:

NM_198859.4(PRICKLE2):c.1406G>A (p.Arg469Gln)

Gene: PRICKLE2 (prickle planar cell polarity protein 2; minus strand). Cytogenetic location: 3p14.1.
Variant type: single nucleotide variant.
Coding change: c.1406G>A on transcript NM_198859.4 (MANE Select); coding-DNA position 1406, G replaced by A.
Protein change: p.Arg469Gln; replaces arginine 469 with glutamine.
Molecular consequence: missense variant.
Genome position (GRCh38, 1-based): chr3:64,147,084, C>T on the plus strand (G>A on the coding strand, the complement: PRICKLE2 is on the minus strand). VCF-style: chr3-64147084-C-T. GRCh37 (hg19) VCF-style: chr3-64132760-C-T.
Other names: c.1406G>A, p.Arg469Gln (NM_001370528.1); short protein forms R469Q.
Identifiers: ClinVar variation 935815 (VCV000935815.8), dbSNP rs746640172, ClinGen allele CA2479633.

ClinVar aggregate classification (germline): Uncertain significance. Review status: criteria provided, multiple submitters, no conflicts (2 of 4 stars). 2 submissions from 2 submitters: Uncertain significance (2). Last evaluated 2023-08-03.

Conditions:
Progressive myoclonic epilepsy type 5. Identifiers: Orphanet 402082, MedGen C5190799.

Allele frequency attached by ClinVar (database versions not stated): ExAC 0.00002; gnomAD exomes 0.00002; TOPMed 0.00004; gnomAD 0.00005.
gnomAD v4.1: 41 of 1,614,038 alleles (0.0025%); highest among the groups gnomAD compares: South Asian, 0.011%; 1 homozygote.

Submissions (2):

Labcorp Genetics (formerly Invitae), Labcorp
Classification: Uncertain significance for Progressive myoclonic epilepsy type 5. Last evaluated: 2023-08-03. Review status: criteria provided, single submitter. Criteria: Invitae Variant Classification Sherloc (09022015). Collection method: clinical testing. Allele origin: germline.
Comment: This variant is present in population databases (rs746640172, gnomAD 0.01%). This sequence change replaces arginine, which is basic and polar, with glutamine, which is neutral and polar, at codon 469 of the PRICKLE2 protein (p.Arg469Gln). This variant has not been reported in the literature in individuals affected with PRICKLE2-related conditions. ClinVar contains an entry for this variant (Variation ID: 935815). An algorithm developed to predict the effect of missense changes on protein structure and function (PolyPhen-2) suggests that this variant is likely to be tolerated. In summary, the available evidence is currently insufficient to determine the role of this variant in disease. Therefore, it has been classified as a Variant of Uncertain Significance.

Breakthrough Genomics
Classification: Uncertain significance. Review status: criteria provided, single submitter. Criteria: ACMG Guidelines, 2015. Collection method: not provided. Allele origin: germline. Inheritance: Unknown mechanism. Affected: yes.